The following is an entry in ClinVar:

ClinVar aggregate classification (germline): Uncertain significance. Review status: criteria provided, multiple submitters, no conflicts (2 of 4 stars). 2 submissions from 2 submitters: Uncertain significance (2). Last evaluated 2023-12-11.

Allele frequency attached by ClinVar (database versions not stated): gnomAD 0.00002 and 0.00003; ExAC 0.00006; ESP Exome Variant Server 0.00008.

Submissions (2):

Labcorp Genetics (formerly Invitae), Labcorp
Classification: Uncertain significance. Last evaluated: 2023-12-11. Review status: criteria provided, single submitter. Criteria: Invitae Variant Classification Sherloc (09022015). Collection method: clinical testing. Allele origin: germline.
Comment: This sequence change replaces arginine, which is basic and polar, with glutamine, which is neutral and polar, at codon 546 of the TRIOBP protein (p.Arg546Gln). This variant is present in population databases (rs370484153, gnomAD 0.003%). This variant has not been reported in the literature in individuals affected with TRIOBP-related conditions. ClinVar contains an entry for this variant (Variation ID: 1414410). Algorithms developed to predict the effect of missense changes on protein structure and function output the following: SIFT: "Not Available"; PolyPhen-2: "Benign"; Align-GVGD: "Not Available". The glutamine amino acid residue is found in multiple mammalian species, which suggests that this missense change does not adversely affect protein function. In summary, the available evidence is currently insufficient to determine the role of this variant in disease. Therefore, it has been classified as a Variant of Uncertain Significance.

Blueprint Genetics
Classification: Uncertain significance. Last evaluated: 2023-09-11. Review status: criteria provided, single submitter. Criteria: ACMG Guidelines, 2015. Collection method: clinical testing. Allele origin: germline.

NM_001039141.3(TRIOBP):c.1637G>A (p.Arg546Gln)

Gene: TRIOBP (TRIO and F-actin binding protein; plus strand). Cytogenetic location: 22q13.1.
Variant type: single nucleotide variant.
Coding change: c.1637G>A on transcript NM_001039141.3 (MANE Select); coding-DNA position 1637, G replaced by A.
Protein change: p.Arg546Gln; replaces arginine 546 with glutamine.
Molecular consequence: missense variant.
Genome position (GRCh38, 1-based): chr22:37,724,193, G>A. VCF-style: chr22-37724193-G-A. GRCh37 (hg19) VCF-style: chr22-38120200-G-A.
Other names: short protein forms R546Q.
Identifiers: ClinVar variation 1414410 (VCV001414410.7), dbSNP rs370484153, ClinGen allele CA10223631.